The following is an entry in ClinVar:

NM_014727.3(KMT2B):c.5923C>T (p.Pro1975Ser)

Gene: KMT2B (lysine methyltransferase 2B; plus strand). Cytogenetic location: 19q13.12.
Variant type: single nucleotide variant.
Coding change: c.5923C>T on transcript NM_014727.3 (MANE Select); coding-DNA position 5923, C replaced by T.
Protein change: p.Pro1975Ser; replaces proline 1975 with serine.
Molecular consequence: missense variant.
Genome position (GRCh38, 1-based): chr19:35,732,472, C>T. VCF-style: chr19-35732472-C-T. GRCh37 (hg19) VCF-style: chr19-36223373-C-T.
Other names: short protein forms P1975S.
Identifiers: ClinVar variation 2504872 (VCV002504872.1), dbSNP rs1746590595, ClinGen allele CA405424587.

ClinVar aggregate classification (germline): Uncertain significance (1 of 4 stars; one submission).

Submission:

GeneDx
Classification: Uncertain significance. Last evaluated: 2022-12-10. Review status: criteria provided, single submitter. Criteria: GeneDx Variant Classification Process June 2021. Collection method: clinical testing. Allele origin: germline. Affected: yes.
Comment: Not observed at significant frequency in large population cohorts (gnomAD); In silico analysis supports that this missense variant does not alter protein structure/function; Has not been previously published as pathogenic or benign to our knowledge